The following is an entry in ClinVar:

ClinVar aggregate classification (germline): Uncertain significance (1 of 4 stars; one submission).

Conditions:
Amyotrophic lateral sclerosis type 4 (ALS4). Also called: NEURONOPATHY, DISTAL HEREDITARY MOTOR, WITH PYRAMIDAL FEATURES; AMYOTROPHIC LATERAL SCLEROSIS 4, JUVENILE. Identifiers: Orphanet 357043, MedGen C1865409, MONDO:0011223, OMIM 602433.
Spinocerebellar ataxia, autosomal recessive, with axonal neuropathy 2 (SCAN2). Also called: Ataxia with Oculomotor Apraxia; Ataxia with Oculomotor Apraxia Type 2; ATAXIA-OCULOMOTOR APRAXIA 2; Ataxia-ocular apraxia-2. Identifiers: Orphanet 64753, MedGen C1853761, MONDO:0018996, OMIM 606002.

Submission:

Labcorp Genetics (formerly Invitae), Labcorp
Classification: Uncertain significance for Amyotrophic lateral sclerosis type 4; Spinocerebellar ataxia, autosomal recessive, with axonal neuropathy 2. Last evaluated: 2023-08-10. Review status: criteria provided, single submitter. Criteria: Invitae Variant Classification Sherloc (09022015). Collection method: clinical testing. Allele origin: germline.
Comment: Experimental studies and prediction algorithms are not available or were not evaluated, and the functional significance of this variant is currently unknown. In summary, the available evidence is currently insufficient to determine the role of this variant in disease. Therefore, it has been classified as a Variant of Uncertain Significance. This variant has not been reported in the literature in individuals affected with SETX-related conditions. This variant is present in population databases (no rsID available, gnomAD 0.0009%). This variant, c.3535_3537del, results in the deletion of 1 amino acid(s) of the SETX protein (p.Ser1179del), but otherwise preserves the integrity of the reading frame.

NM_015046.7(SETX):c.3532TCT[1] (p.Ser1179del)

Gene: SETX (senataxin; minus strand). Cytogenetic location: 9q34.13.
Variant type: Microsatellite.
Coding change: c.3532TCT[1] on transcript NM_015046.7 (MANE Select); one copy of the 3-base unit TCT starting at c.3532; the reference has two copies in a row; one copy, 3 bases deleted.
Protein change: p.Ser1179del; deletes serine 1179.
Molecular consequence: inframe deletion.
Genome position (GRCh38, 1-based): chr9:132,328,061-132,328,063, AGA deleted on the plus strand (TCT on the coding strand, the reverse complement: SETX is on the minus strand); deleting any 3 consecutive bases within chr9:132,328,061-132,328,066 gives the same sequence; the position shown is the placement nearest the transcript's 3' end. VCF-style (leftmost placement, unchanged base first): chr9-132328060-CAGA-C. GRCh37 (hg19) VCF-style: chr9-135203447-CAGA-C.
Other names: c.3532TCT[1], p.Ser1179del (NM_001351527.2, NM_001351528.2); short protein forms S1179del.
Identifiers: ClinVar variation 2022832 (VCV002022832.4), dbSNP rs1364763518, ClinGen allele CA590947263.